The following is an entry in ClinVar:

NM_001267550.2(TTN):c.79137_79138dup (p.Met26380fs)

Genes: TTN (titin; minus strand), TTN-AS1 (TTN antisense RNA 1; plus strand). Cytogenetic location: 2q31.2.
Variant type: Duplication.
Coding change: c.79137_79138dup on transcript NM_001267550.2 (MANE Select); coding-DNA positions 79137 to 79138, 2 bases duplicated (AA; older notation c.79137_79138dupAA).
Protein change: p.Met26380fs; shifts the reading frame from methionine 26380.
Molecular consequence: frameshift variant.
Genome position (GRCh38, 1-based): chr2:178,566,994-178,566,995, TT duplicated on the plus strand (AA on the coding strand, the reverse complement: TTN is on the minus strand). VCF-style (leftmost placement, unchanged base first): chr2-178566993-A-ATT. GRCh37 (hg19) VCF-style: chr2-179431720-A-ATT.
Other names: c.74214_74215dup, p.Met24739fs (NM_001256850.1); c.51942_51943dup, p.Met17315fs (NM_003319.4); c.71433_71434dup, p.Met23812fs (NM_133378.4); c.52317_52318dup, p.Met17440fs (NM_133432.3); c.52518_52519dup, p.Met17507fs (NM_133437.4); short protein forms M17315fs, M17440fs, M17507fs, M23812fs, M24739fs, M26380fs.
Identifiers: ClinVar variation 1067644 (VCV001067644.9), dbSNP rs2154165980, ClinGen allele CA2499215353.

ClinVar aggregate classification (germline): Likely pathogenic (1 of 4 stars; one submission).

Conditions:
Dilated cardiomyopathy 1G (CMD1G). Identifiers: Orphanet 154, MedGen C1858763, MONDO:0011400, OMIM 604145.
Autosomal recessive limb-girdle muscular dystrophy type 2J (LGMDR10). Also called: Limb-girdle muscular dystrophy, type 2J; MUSCULAR DYSTROPHY, LIMB-GIRDLE, AUTOSOMAL RECESSIVE 10. Identifiers: Orphanet 140922, MedGen C1837342, MONDO:0012127, OMIM 608807.

Submission:

Labcorp Genetics (formerly Invitae), Labcorp
Classification: Likely pathogenic for Dilated cardiomyopathy 1G; Autosomal recessive limb-girdle muscular dystrophy type 2J. Last evaluated: 2020-10-07. Review status: criteria provided, single submitter. Criteria: Invitae Variant Classification Sherloc (09022015). Collection method: clinical testing. Allele origin: germline.
Comment: In summary, the currently available evidence indicates that the variant is pathogenic, but additional data are needed to prove that conclusively. Therefore, this variant has been classified as Likely Pathogenic. This variant is located in the A band of TTN (PMID: 25589632). Truncating variants in this region are significantly overrepresented in patients affected with dilated cardiomyopathy (PMID: 25589632). Truncating variants in this region have also been reported in individuals affected with autosomal recessive centronuclear myopathy (PMID: 23975875). This variant has not been reported in the literature in individuals with TTN-related conditions. This variant is not present in population databases (ExAC no frequency). This sequence change results in a premature translational stop signal in the TTN gene (p.Met26380Lysfs*2). While this is not anticipated to result in nonsense mediated decay, it is expected to create a truncated TTN protein.

Literature cited by the submitters: PubMed 25589632; PubMed 23975875.